The following is an entry in ClinVar:

ClinVar aggregate classification (germline): Pathogenic/Likely pathogenic. Review status: criteria provided, multiple submitters, no conflicts (2 of 4 stars). 3 submissions from 3 submitters: Pathogenic (2); Likely pathogenic (1). Last evaluated 2022-04-12.

Conditions:
Hereditary breast ovarian cancer syndrome. Also called: Hereditary breast and ovarian cancer syndrome; Hereditary breast and ovarian cancer syndrome (HBOC); Hereditary breast and ovarian cancer; Breast and ovarian cancer; BRCA1- and BRCA2-Associated Hereditary Breast and Ovarian Cancer; Hereditary breast and/or ovarian cancer syndrome. Identifiers: Orphanet 145, MedGen C0677776, MeSH D061325, MONDO:0003582. Disease mechanism: loss of function.
Familial cancer of breast. Also called: hereditary breast carcinoma; BREAST CANCER, FAMILIAL; Hereditary breast cancer. Identifiers: Orphanet 227535, MedGen C0346153, MONDO:0016419, OMIM 114480. Disease mechanism: loss of function.

Submissions (3):

Baylor Genetics
Classification: Likely pathogenic for Familial cancer of breast. Last evaluated: 2022-04-12. Review status: criteria provided, single submitter. Criteria: ACMG Guidelines, 2015. Collection method: clinical testing. Allele origin: unknown.

Labcorp Genetics (formerly Invitae), Labcorp
Classification: Pathogenic for Hereditary breast ovarian cancer syndrome. Last evaluated: 2018-04-19. Review status: criteria provided, single submitter. Criteria: Invitae Variant Classification Sherloc (09022015). Collection method: clinical testing. Allele origin: germline.
Comment: For these reasons, this variant has been classified as Pathogenic. Loss-of-function variants in BRCA2 are known to be pathogenic (PMID: 20104584). This variant has not been reported in the literature in individuals with BRCA2-related disease. This variant is not present in population databases (ExAC no frequency). This sequence change creates a premature translational stop signal (p.Ser2243Tyrfs*38) in the BRCA2 gene. It is expected to result in an absent or disrupted protein product.

Eurofins Ntd Llc (ga)
Classification: Pathogenic. Last evaluated: 2018-03-16. Review status: criteria provided, single submitter. Criteria: EGL ClinVar v180209 classification definitions. Collection method: clinical testing. Allele origin: germline. Observed: 1 variant allele, 1 heterozygote.

Literature cited by the submitters: PubMed 20104584 (cited by Labcorp Genetics (formerly Invitae), Labcorp).

NM_000059.4(BRCA2):c.6727_6728insAT (p.Ser2243fs)

Gene: BRCA2 (BRCA2 DNA repair associated; plus strand). Cytogenetic location: 13q13.1.
Variant type: Insertion.
Coding change: c.6727_6728insAT on transcript NM_000059.4 (MANE Select); coding-DNA positions 6727 to 6728, AT inserted.
Protein change: p.Ser2243fs; shifts the reading frame from serine 2243.
Molecular consequence: frameshift variant.
Genome position: GRCh38 VCF-style: chr13-32341081-T-TTA. GRCh37 (hg19) VCF-style: chr13-32915218-T-TTA.
Other names: short protein forms S2243fs.
Identifiers: ClinVar variation 596433 (VCV000596433.12), dbSNP rs1566235284, ClinGen allele CA913191190.
Genomic context (GRCh38, chr13:32,341,081, plus strand): 5'-CTTTGAAACAGAAGCAGTAGAAATTGCTAAAGCTTTTATGGAAGATGATGAACTGACAGA[T>TTA]TCTAAACTGCCAAGTCATGCCACACATTCTCTTTTTACATGTCCCGAAAATGAGGAAATG-3'